The following is an entry in ClinVar:

ClinVar aggregate classification (germline): Conflicting classifications of pathogenicity. Review status: criteria provided, conflicting classifications (1 of 4 stars). 2 submissions from 2 submitters: Uncertain significance (1); Likely benign (1). Last evaluated 2025-11-05.

Conditions:
Duchenne muscular dystrophy (DMD). Also called: MUSCULAR DYSTROPHY, PSEUDOHYPERTROPHIC PROGRESSIVE, DUCHENNE TYPE; Duchenne Muscular Dystrophy (DMD). Identifiers: Orphanet 98896, MedGen C0013264, MONDO:0010679, OMIM 310200.
Cardiovascular phenotype. Identifiers: MedGen CN230736.

gnomAD v4.1: 2 of 1,211,092 alleles (0.00017%); highest among the groups gnomAD compares: Admixed American, 0.0022%; no homozygotes.

Submissions (2):

Ambry Genetics
Classification: Likely benign for Cardiovascular phenotype. Last evaluated: 2025-11-05. Review status: criteria provided, single submitter. Criteria: Ambry Variant Classification Scheme 2023. Collection method: clinical testing. Allele origin: germline.

Labcorp Genetics (formerly Invitae), Labcorp
Classification: Uncertain significance for Duchenne muscular dystrophy. Last evaluated: 2024-09-08. Review status: criteria provided, single submitter. Criteria: Invitae Variant Classification Sherloc (09022015). Collection method: clinical testing. Allele origin: germline.
Comment: This sequence change replaces histidine, which is basic and polar, with glutamine, which is neutral and polar, at codon 1380 of the DMD protein (p.His1380Gln). This variant is not present in population databases (gnomAD no frequency). This variant has not been reported in the literature in individuals affected with DMD-related conditions. Invitae Evidence Modeling of protein sequence and biophysical properties (such as structural, functional, and spatial information, amino acid conservation, physicochemical variation, residue mobility, and thermodynamic stability) indicates that this missense variant is not expected to disrupt DMD protein function with a negative predictive value of 95%. In summary, the available evidence is currently insufficient to determine the role of this variant in disease. Therefore, it has been classified as a Variant of Uncertain Significance.

NM_004006.3(DMD):c.4140C>G (p.His1380Gln)

Gene: DMD (dystrophin; minus strand). Cytogenetic location: Xp21.1.
Variant type: single nucleotide variant.
Coding change: c.4140C>G on transcript NM_004006.3 (MANE Select); coding-DNA position 4140, C replaced by G.
Protein change: p.His1380Gln; replaces histidine 1380 with glutamine.
Molecular consequence: missense variant.
Genome position (GRCh38, 1-based): chrX:32,411,845, G>C on the plus strand (C>G on the coding strand, the complement: DMD is on the minus strand). VCF-style: chrX-32411845-G-C. GRCh37 (hg19) VCF-style: chrX-32429962-G-C.
Other names: c.4116C>G, p.His1372Gln (NM_000109.4); c.4128C>G, p.His1376Gln (NM_004009.3); c.3771C>G, p.His1257Gln (NM_004010.3); c.117C>G, p.His39Gln (NM_004011.4); c.108C>G, p.His36Gln (NM_004012.4); short protein forms H1257Q, H1372Q, H1376Q, H1380Q, H36Q, H39Q.
Identifiers: ClinVar variation 2988612 (VCV002988612.4), dbSNP rs2523600628, ClinGen allele CA412666449.